The following is an entry in ClinVar:

NM_000219.6(KCNE1):c.262C>T (p.Gln88Ter)

Gene: KCNE1 (potassium voltage-gated channel subfamily E regulatory subunit 1; minus strand). Cytogenetic location: 21q22.12.
Variant type: single nucleotide variant.
Coding change: c.262C>T on transcript NM_000219.6 (MANE Select); coding-DNA position 262, C replaced by T.
Protein change: p.Gln88Ter; replaces glutamine 88 with a stop codon.
Molecular consequence: nonsense.
Genome position (GRCh38, 1-based): chr21:34,449,373, G>A on the plus strand (C>T on the coding strand, the complement: KCNE1 is on the minus strand). VCF-style: chr21-34449373-G-A. GRCh37 (hg19) VCF-style: chr21-35821671-G-A.
Other names: c.262C>T, p.Gln88Ter (NM_001127668.4, NM_001127669.4, NM_001127670.4 and 4 more transcripts); short protein forms Q88*.
Identifiers: ClinVar variation 265208 (VCV000265208.5), dbSNP rs750349088, ClinGen allele CA10588708.

ClinVar aggregate classification (germline): Likely pathogenic (1 of 4 stars; one submission).

Submissions (2):

GeneDx
Classification: Likely pathogenic. Last evaluated: 2022-06-30. Review status: criteria provided, single submitter. Criteria: GeneDx Variant Classification Process June 2021. Collection method: clinical testing. Allele origin: germline. Affected: yes.
Comment: Identified in one patient with LQTS and congenital hearing loss who also harbors a variant of uncertain significance in the KCNQ1 gene (Faridi et al., 2018); Not observed at significant frequency in large population cohorts (gnomAD); Nonsense variant in the C-terminus predicted to result in protein truncation, as the last 42 amino acids are lost, and other loss-of-function variants have been reported downstream in HGMD; This variant is associated with the following publications: (PMID: 30461122)

Roden Lab, Vanderbilt University Medical Center
No classification provided (evidence only). Condition: Long QT syndrome 5. Review status: no classification provided. Collection method: in vitro. Allele origin: not applicable. Functional consequence: Effect on ion channel function. Not counted in ClinVar's aggregate classification.
ClinVar note: "not provided" was previously submitted as the classification for the variant. However, the classification appeared to be based only on an observation of functional data so it was converted to no classification on 2025-07-30.